The following is an entry in ClinVar:

ClinVar aggregate classification (germline): Likely benign. Review status: criteria provided, multiple submitters, no conflicts (2 of 4 stars). 3 submissions from 3 submitters: Likely benign (3). Last evaluated 2026-08-19.

Conditions:
Joubert syndrome. Also called: JOUBERT-BOLTSHAUSER SYNDROME; Familial aplasia of the vermis. Identifiers: Orphanet 475, MedGen C5979921, MONDO:0018772.
Meckel-Gruber syndrome. Also called: DYSENCEPHALIA SPLANCHNOCYSTICA; GRUBER SYNDROME; Dysencephalia splachnocystica. Identifiers: Orphanet 564, MedGen C0265215, MONDO:0018921.
MKS1-related disorder. Also called: MKS1-related condition; MKS1-related disorders. Identifiers: MedGen CN239382.

Allele frequency attached by ClinVar (database versions not stated): gnomAD exomes below 0.00001; TOPMed below 0.00001; gnomAD 0.00001.
gnomAD v4.1: 6 of 1,613,874 alleles (0.00037%); highest among the groups gnomAD compares: African/African-American, 0.0027%; no homozygotes.

Submissions (3):

PreventionGenetics, part of Exact Sciences
Classification: Likely benign for MKS1-related condition. Last evaluated: 2026-08-19. Review status: criteria provided, single submitter. Criteria: ACMG Guidelines, 2015. Collection method: clinical testing. Allele origin: germline.
Comment: This variant is classified as likely benign based on ACMG/AMP sequence variant interpretation guidelines (Richards et al. 2015 PMID: 25741868, with internal and published modifications).

Labcorp Genetics (formerly Invitae), Labcorp
Classification: Likely benign for Joubert syndrome; Meckel-Gruber syndrome. Last evaluated: 2025-12-29. Review status: criteria provided, single submitter. Criteria: Invitae Variant Classification Sherloc (09022015). Collection method: clinical testing. Allele origin: germline.

CeGaT Center for Human Genetics Tuebingen
Classification: Likely benign. Last evaluated: 2024-07-01. Review status: criteria provided, single submitter. Criteria: CeGaT Center For Human Genetics Tuebingen Variant Classification Criteria Version 2. Collection method: clinical testing. Allele origin: germline. Affected: yes. Observed: 1 variant allele.
Comment: MKS1: BP4, BP7

NM_017777.4(MKS1):c.567G>A (p.Glu189=)

Gene: MKS1 (MKS transition zone complex subunit 1; minus strand). Cytogenetic location: 17q22.
Variant type: single nucleotide variant.
Coding change: c.567G>A on transcript NM_017777.4 (MANE Select); coding-DNA position 567, G replaced by A.
Protein change: p.Glu189=; no amino-acid change (glutamic acid 189 retained).
Molecular consequence: synonymous variant. On other transcripts: 5 prime UTR variant (1).
Genome position (GRCh38, 1-based): chr17:58,214,336, C>T on the plus strand (G>A on the coding strand, the complement: MKS1 is on the minus strand). VCF-style: chr17-58214336-C-T. GRCh37 (hg19) VCF-style: chr17-56291697-C-T.
Other names: c.-43G>A (NM_001321268.2); c.567G>A, p.Glu189= (NM_001321269.2, NM_001330397.2, NM_001411113.1).
Identifiers: ClinVar variation 2924640 (VCV002924640.21), dbSNP rs1969063172, ClinGen allele CA501034659.